The following is an entry in ClinVar:

NM_001387690.1(KATNAL2):c.826-2A>G

Gene: KATNAL2 (katanin catalytic subunit A1 like 2; plus strand). Cytogenetic location: 18q21.1.
Variant type: single nucleotide variant.
Coding change: c.826-2A>G on transcript NM_001387690.1 (MANE Select); the canonical splice acceptor site of the intron before coding-DNA position 826, A replaced by G.
Molecular consequence: splice acceptor variant.
Genome position (GRCh38, 1-based): chr18:47,069,218, A>G. VCF-style: chr18-47069218-A-G. GRCh37 (hg19) VCF-style: chr18-44595589-A-G.
Other names: c.394-2A>G (NM_001353904.1, NM_001353909.1, NM_001353908.1); c.904-2A>G (NM_001353899.1); c.901-2A>G (NM_001353900.1); c.493-2A>G (NM_001353903.1, NM_001353907.1, NM_001353905.1 and 1 more transcripts); c.826-2A>G (NM_001353901.1, NM_001367621.1); c.805-2A>G (NM_001353902.1); c.610-2A>G (NM_031303.3).
Identifiers: ClinVar variation 4992195 (VCV004992195.1).
Genomic context (GRCh38, chr18:47,069,218, plus strand): 5'-GCTGAGAGTATGCAGGCTGATGTGTTGGTACCAAACCTCATCCTTGTTCCTTGTTTCCTT[A>G]GTATCCACAGCTATTTACAGGAATTCTTTCTCCCTGGAAAGGACTACTGCTGTACGGCCC-3'

ClinVar aggregate classification (germline): Uncertain significance (1 of 4 stars; one submission).

Conditions:
KATNAL2-related disorder. Also called: KATNAL2-related condition.

Submission:

PreventionGenetics, part of Exact Sciences
Classification: Uncertain significance for KATNAL2-related condition. Last evaluated: 2026-04-02. Review status: criteria provided, single submitter. Criteria: ACMG Guidelines, 2015. Collection method: clinical testing. Allele origin: germline.
Comment: The KATNAL2 c.610-2A>G variant is predicted to disrupt the AG splice acceptor site and interfere with normal splicing. To our knowledge, this variant has not been reported in the literature or in a large population database (gnomAD), indicating this variant is rare. At this time, the clinical significance of this variant is uncertain due to the absence of conclusive functional and genetic evidence.